The following is an entry in ClinVar:

ClinVar aggregate classification (germline): Likely pathogenic (1 of 4 stars; one submission).

Conditions:
Dias-Logan syndrome. Also called: Intellectual developmental disorder with persistence of fetal hemoglobin; INTELLECTUAL DEVELOPMENTAL DISORDER WITH HEREDITARY PERSISTENCE OF FETAL HEMOGLOBIN. Identifiers: Orphanet 619233, MedGen C4310833, MONDO:0014914, OMIM 617101.

Submission:

Dubai Health Genomic Medicine Center, Dubai Health
Classification: Likely pathogenic for Dias-Logan syndrome. Last evaluated: 2024-10-04. Review status: criteria provided, single submitter. Criteria: ACMG Guidelines, 2015. Collection method: research. Allele origin: germline. Affected: yes.
Comment: PVS1,PM2,PM6

NM_022893.4(BCL11A):c.174_175dup (p.Asp59fs)

Gene: BCL11A (BCL11 transcription factor A; minus strand). Cytogenetic location: 2p16.1.
Variant type: Duplication.
Coding change: c.174_175dup on transcript NM_022893.4 (MANE Select); coding-DNA positions 174 to 175, 2 bases duplicated (GG; older notation c.174_175dupGG).
Protein change: p.Asp59fs; shifts the reading frame from aspartic acid 59.
Molecular consequence: frameshift variant. On other transcripts: 5 prime UTR variant (7).
Genome position (GRCh38, 1-based): chr2:60,546,181-60,546,182, CC duplicated on the plus strand (GG on the coding strand, the reverse complement: BCL11A is on the minus strand); duplicating any 2 consecutive bases within chr2:60,546,181-60,546,185 gives the same sequence; the c. name uses the placement nearest the transcript's 3' end. VCF-style (leftmost placement, unchanged base first): chr2-60546180-T-TCC. GRCh37 (hg19) VCF-style: chr2-60773315-T-TCC.
Other names: c.18_19dup, p.Asp7fs (NM_001405716.1, NM_001405717.1, NM_001405718.1 and 10 more transcripts); c.174_175dup, p.Asp59fs (NM_001405719.1, NM_001405730.1, NM_001405732.1 and 10 more transcripts); c.-252_-251dup (NM_001405720.1, NM_001405721.1); c.-502_-501dup (NM_001405725.1, NM_001405726.1, NM_001405731.1); c.-359_-358dup (NM_001405727.1, NM_001405728.1); short protein forms D59fs, D7fs.
Identifiers: ClinVar variation 3384059 (VCV003384059.1).